The following is an entry in ClinVar:

ClinVar aggregate classification (germline): Uncertain significance (1 of 4 stars; one submission).

Conditions:
EGFR-related lung cancer (EGFR). Identifiers: MedGen CN130014.

Submission:

Labcorp Genetics (formerly Invitae), Labcorp
Classification: Uncertain significance for EGFR-related lung cancer. Last evaluated: 2024-05-27. Review status: criteria provided, single submitter. Criteria: Invitae Variant Classification Sherloc (09022015). Collection method: clinical testing. Allele origin: germline.
Comment: This sequence change falls in intron 27 of the EGFR gene. It does not directly change the encoded amino acid sequence of the EGFR protein. Information on the frequency of this variant in the gnomAD database is not available, as this variant may be reported differently in the database. This variant has not been reported in the literature in individuals affected with EGFR-related conditions. Experimental studies and prediction algorithms are not available or were not evaluated, and the effect of this variant on mRNA splicing is currently unknown. In summary, the available evidence is currently insufficient to determine the role of this variant in disease. Therefore, it has been classified as a Variant of Uncertain Significance.

NM_005228.5(EGFR):c.3271+13_3271+15delinsATG

Gene: EGFR (epidermal growth factor receptor; plus strand). Cytogenetic location: 7p11.2.
Variant type: Indel.
Coding change: c.3271+13_3271+15delinsATG on transcript NM_005228.5 (MANE Select); bases 13 to 15 of the intron after coding-DNA position 3271, TCT replaced by ATG.
Molecular consequence: intron variant. On other transcripts: missense variant (2).
Genome position (GRCh38, 1-based): chr7:55,202,638-55,202,640, TCT replaced by ATG. VCF-style: chr7-55202638-TCT-ATG. GRCh37 (hg19) VCF-style: chr7-55270331-TCT-ATG.
Other names: c.3149_3151delinsATG, p.Val1050_Trp1051delinsAspGly (NM_001346897.2); c.3284_3286delinsATG, p.Val1095_Trp1096delinsAspGly (NM_001346898.2); c.3136+13_3136+15delinsATG (NM_001346899.2); c.2470+13_2470+15delinsATG (NM_001346941.2); c.3112+13_3112+15delinsATG (NM_001346900.2).
Identifiers: ClinVar variation 3654756 (VCV003654756.2).
Genomic context (GRCh38, chr7:55,202,638, plus strand): 5'-GCGCCTTGACTGAGGACAGCATAGACGACACCTTCCTCCCAGTGCCTGGTGAGTGGCTTG[TCT>ATG]GGAAACAGTCCTGCTCCTCAACCTCCTCGACCCACTCAGCAGCAGCCAGTCTCCAGTGTC-3'